The following is an entry in ClinVar:

ClinVar aggregate classification (germline): Uncertain significance (1 of 4 stars; one submission).

Conditions:
Baller-Gerold syndrome (BGS). Also called: CRANIOSYNOSTOSIS WITH RADIAL DEFECTS. Identifiers: Orphanet 1225, MedGen C0265308, MONDO:0009039, OMIM 218600.

Submission:

Labcorp Genetics (formerly Invitae), Labcorp
Classification: Uncertain significance for Baller-Gerold syndrome. Last evaluated: 2024-04-30. Review status: criteria provided, single submitter. Criteria: Invitae Variant Classification Sherloc (09022015). Collection method: clinical testing. Allele origin: germline.
Comment: This sequence change affects an acceptor splice site in intron 20 of the RECQL4 gene. While this variant is not anticipated to result in nonsense mediated decay, it likely alters RNA splicing and results in a disrupted protein product. This variant is not present in population databases (gnomAD no frequency). This variant has not been reported in the literature in individuals affected with RECQL4-related conditions. ClinVar contains an entry for this variant (Variation ID: 1439815). Variants that disrupt the consensus splice site are a relatively common cause of aberrant splicing (PMID: 17576681, 9536098). Algorithms developed to predict the effect of sequence changes on RNA splicing suggest that this variant may disrupt the consensus splice site. In summary, the available evidence is currently insufficient to determine the role of this variant in disease. Therefore, it has been classified as a Variant of Uncertain Significance.

Literature cited by the submitters: PubMed 17576681; PubMed 9536098.

NM_004260.4(RECQL4):c.3503-2A>C

Gene: RECQL4 (RecQ like helicase 4; minus strand). Cytogenetic location: 8q24.3.
Variant type: single nucleotide variant.
Coding change: c.3503-2A>C on transcript NM_004260.4 (MANE Select); the canonical splice acceptor site of the intron before coding-DNA position 3503, A replaced by C.
Molecular consequence: splice acceptor variant.
Genome position (GRCh38, 1-based): chr8:144,511,557, T>G on the plus strand (A>C on the coding strand, the complement: RECQL4 is on the minus strand). VCF-style: chr8-144511557-T-G. GRCh37 (hg19) VCF-style: chr8-145736940-T-G.
Other names: c.3374-2A>C (NM_001413025.1); c.3152-2A>C (NM_001413029.1); c.2366-2A>C (NM_001413032.1, NM_001413027.1, NM_001413030.1); c.2432-2A>C (NM_001413035.1, NM_001413040.1, NM_001413021.1 and 4 more transcripts); c.3209-2A>C (NM_001413017.1); c.3407-2A>C (NM_001413020.1); c.3473-2A>C (NM_001413039.1); c.3371-2A>C (NM_001413033.1); and 9 more.
Identifiers: ClinVar variation 1439815 (VCV001439815.7), dbSNP rs1371218064, ClinGen allele CA372666282.